The following is an entry in ClinVar:

ClinVar aggregate classification (germline): Likely benign. Review status: criteria provided, multiple submitters, no conflicts (2 of 4 stars). 4 submissions from 4 submitters: Likely benign (3). 1 of the submissions does not count toward it. Last evaluated 2025-10-27.

Conditions:
CTSB-related disorder. Also called: CTSB-related condition.

Allele frequency attached by ClinVar (database versions not stated): 1000 Genomes Project 30x 0.00390; 1000 Genomes Project 0.00419; TOPMed 0.00423; ESP Exome Variant Server 0.00515.
gnomAD v4.1: 3,222 of 1,577,820 alleles (0.2%); highest among the groups gnomAD compares: African/African-American, 0.83%; 9 homozygotes.

Submissions (4):

Labcorp Genetics (formerly Invitae), Labcorp
Classification: Likely benign. Last evaluated: 2025-10-27. Review status: criteria provided, single submitter. Criteria: Invitae Variant Classification Sherloc (09022015). Collection method: clinical testing. Allele origin: germline.

Blueprint Genetics
Classification: Likely benign. Last evaluated: 2024-10-31. Review status: criteria provided, single submitter. Criteria: ACMG Guidelines, 2015. Collection method: clinical testing. Allele origin: germline.

Breakthrough Genomics
Classification: Likely benign. Review status: criteria provided, single submitter. Criteria: ACMG Guidelines, 2015. Collection method: not provided. Allele origin: germline. Inheritance: Autosomal dominant inheritance. Affected: yes.

PreventionGenetics, part of Exact Sciences
Classification: Benign for CTSB-related condition. Last evaluated: 2019-04-30. Review status: no assertion criteria provided. Collection method: clinical testing. Allele origin: germline. Not counted in ClinVar's aggregate classification.
Comment: This variant is classified as benign based on ACMG/AMP sequence variant interpretation guidelines (Richards et al. 2015 PMID: 25741868, with internal and published modifications).

NM_001908.5(CTSB):c.737A>C (p.Asn246Thr)

Gene: CTSB (cathepsin B). Cytogenetic location: 8p23.1.
Variant type: single nucleotide variant.
Coding change: c.737A>C on transcript NM_001908.5 (MANE Select); coding-DNA position 737, A replaced by C.
Protein change: p.Asn246Thr; replaces asparagine 246 with threonine.
Molecular consequence: missense variant.
Genome position (GRCh38, 1-based): chr8:11,847,108, T>G on the plus strand (A>C on the coding strand, the complement: CTSB is on the minus strand). VCF-style: chr8-11847108-T-G. GRCh37 (hg19) VCF-style: chr8-11704617-T-G.
Other names: c.365A>C, p.Asn122Thr (NM_001317237.2); c.737A>C, p.Asn246Thr (NM_147780.4, NM_147781.4, NM_147782.4 and 1 more transcripts); short protein forms N122T, N246T.
Identifiers: ClinVar variation 779342 (VCV000779342.14), dbSNP rs114308907, ClinGen allele CA4632560.